The following is an entry in ClinVar:

ClinVar aggregate classification (germline): Likely pathogenic (1 of 4 stars; one submission).

Conditions:
Glycine encephalopathy. Also called: Non-ketotic hyperglycinemia; Nonketotic hyperglycinemia. Identifiers: Orphanet 407, MedGen C0751748, MONDO:0011612, HP:0008288.

Submission:

Myriad Genetics, Inc.
Classification: Likely pathogenic for Glycine encephalopathy 1. Last evaluated: 2022-05-18. Review status: criteria provided, single submitter. Criteria: Myriad Women's Health Autosomal Recessive and X-Linked Classification Criteria (2021). Collection method: clinical testing. Allele origin: unknown.
Comment: NM_000170.2(GLDC):c.1805dupT(L602Ffs*3) is expected to be pathogenic in the context of glycine encephalopathy, GLDC-related. This variant is predicted to lead to an abnormal or absent protein product due to the creation of a premature termination codon in GLDC, a gene where loss-of-function variants are known to be pathogenic. Please note: this variant was assessed in the context of healthy population screening.

NM_000170.3(GLDC):c.1805dup (p.Leu602fs)

Gene: GLDC (glycine decarboxylase; minus strand). Cytogenetic location: 9p24.1.
Variant type: Duplication.
Coding change: c.1805dup on transcript NM_000170.3 (MANE Select); coding-DNA position 1805, one base duplicated (T; older notation c.1805dupT).
Protein change: p.Leu602fs; shifts the reading frame from leucine 602.
Molecular consequence: frameshift variant.
Genome position (GRCh38, 1-based): chr9:6,587,186, A duplicated on the plus strand (T on the coding strand, the reverse complement: GLDC is on the minus strand); the first of 3 consecutive A bases (chr9:6,587,186-6,587,188); duplicating any one gives the same sequence. VCF-style (leftmost placement, unchanged base first): chr9-6587185-C-CA. GRCh37 (hg19) VCF-style: chr9-6587185-C-CA.
Other names: short protein forms L602fs.
Identifiers: ClinVar variation 1726150 (VCV001726150.2), dbSNP rs2489076726, ClinGen allele CA2580080219.
Genomic context (GRCh38, chr9:6,587,185, plus strand): 5'-AAAGAAATGCCCTTACCTGTTTGGCTGGAAACAGACCTGGTCATAACCTGTGAGTTCACA[C>CA]AAATCCTTCTCAAGCTCTCGGAAAAGCTGCTGATATCCTTGAGCTTGATCCAGAGGCACA-3'